The following is an entry in ClinVar:

ClinVar aggregate classification (germline): Benign/Likely benign. Review status: criteria provided, multiple submitters, no conflicts (2 of 4 stars). 3 submissions from 3 submitters: Benign (1); Likely benign (2). Last evaluated 2025-03-19.

Conditions:
Hereditary cancer-predisposing syndrome. Also called: Hereditary neoplastic syndrome; Tumor predisposition; Neoplastic Syndromes, Hereditary; Hereditary Cancer Syndrome. Identifiers: Orphanet 140162, MedGen C0027672, MeSH D009386, MONDO:0015356.
Familial thoracic aortic aneurysm and aortic dissection (TAAD). Also called: Thoracic aortic aneurysms and dissections. Identifiers: Orphanet 91387, MedGen C4707243, MONDO:0019625.
Juvenile polyposis syndrome (JPS). Identifiers: Orphanet 2929, MedGen C0345893, MONDO:0017380, OMIM 174900.
Juvenile polyposis/hereditary hemorrhagic telangiectasia syndrome (JPHT). Also called: Juvenile Polyposis Syndrome / Hereditary Hemorrhagic Telangiectasia (JPS/HHT); JP/HHT SYNDROME; JUVENILE POLYPOSIS WITH HEREDITARY HEMORRHAGIC TELANGIECTASIA; POLYPOSIS, GENERALIZED JUVENILE, WITH PULMONARY ARTERIOVENOUS MALFORMATION; TELANGIECTASIA, HEREDITARY HEMORRHAGIC, WITH JUVENILE POLYPOSIS COLI. Identifiers: Orphanet 2929, MedGen C1832942, MONDO:0008278, OMIM 175050.

Submissions (3):

Myriad Genetics, Inc.
Classification: Benign for Juvenile polyposis/hereditary hemorrhagic telangiectasia syndrome. Last evaluated: 2025-03-19. Review status: criteria provided, single submitter. Criteria: Myriad Autosomal Dominant, Autosomal Recessive and X-Linked Classification Criteria (2023). Collection method: clinical testing. Allele origin: unknown.
Comment: This variant is considered benign. This variant is a silent/synonymous amino acid change and it is not expected to impact splicing.

Labcorp Genetics (formerly Invitae), Labcorp
Classification: Likely benign for Juvenile polyposis syndrome. Last evaluated: 2025-01-26. Review status: criteria provided, single submitter. Criteria: Invitae Variant Classification Sherloc (09022015). Collection method: clinical testing. Allele origin: germline.

Ambry Genetics
Classification: Likely benign for Hereditary cancer-predisposing syndrome; Familial thoracic aortic aneurysm and aortic dissection. Last evaluated: 2016-08-25. Review status: criteria provided, single submitter. Criteria: Ambry Variant Classification Scheme 2023. Collection method: clinical testing. Allele origin: germline.

NM_005359.6(SMAD4):c.591C>G (p.Thr197=)

Gene: SMAD4 (SMAD family member 4; plus strand). Cytogenetic location: 18q21.2.
Variant type: single nucleotide variant.
Coding change: c.591C>G on transcript NM_005359.6 (MANE Select); coding-DNA position 591, C replaced by G.
Protein change: p.Thr197=; no amino-acid change (threonine 197 retained).
Molecular consequence: synonymous variant.
Genome position (GRCh38, 1-based): chr18:51,054,917, C>G. VCF-style: chr18-51054917-C-G. GRCh37 (hg19) VCF-style: chr18-48581287-C-G.
Identifiers: ClinVar variation 484805 (VCV000484805.15), dbSNP rs1464524083, ClinGen allele CA503873745.